The following is an entry in ClinVar:

ClinVar aggregate classification (germline): Uncertain significance. Review status: reviewed by expert panel (3 of 4 stars). 2 submissions from 2 submitters: Uncertain significance (1). 1 of the submissions does not count toward it. Last evaluated 2025-10-03.

Conditions:
Hereditary factor IX deficiency disease (HEMB). Also called: F9 DEFICIENCY; FACTOR IX DEFICIENCY; PLASMA THROMBOPLASTIN COMPONENT DEFICIENCY; Hemophilia B; Christmas Disease. Identifiers: Orphanet 98879, MedGen C0008533, MeSH D002836, MONDO:0010604, OMIM 306900.

Submissions (2):

ClinGen Coagulation Factor Deficiency Variant Curation Expert Panel, Clingen
Classification: Uncertain significance for Hereditary factor IX deficiency disease. Last evaluated: 2025-10-03. Review status: reviewed by expert panel. Criteria: ClinGen CoagFactor ACMG Specifications F9 V1.0.0. Collection method: curation. Allele origin: germline. Inheritance: X-linked inheritance.
Comment: The c.803G>T (NM_000133.4) variant in F9 is a missense variant predicted to cause substitution of cysteine by phenylalanine at amino acid 268 (p.Cys268Phe). This variant is absent from males in population databases (gnomAD v2.1.1/gnomAD v3.1/ gnomAD v4.1.0), meeting PM2_Supporting. The computational predictor REVEL gives a score of 0.982, which is above the threshold of 0.6, evidence that correlates with impact to F9 function (PP3). A different missense variant causing a change at the same residue (p.Cys268Tyr) has been established as pathogenic for F9 and SpliceAI predicts no impact on splicing (PM5). In summary, based on the evidence available at this time, the clinical significance of this variant is uncertain. ACMG/AMP criteria applied, as specified by the Coagulation Factor Deficiency Variant Curation Expert Panel for F9: PM2_Supporting + PP3 + PM5. (ClinGen Coagulation Factor Deficiency Expert Panel Specifications to the ACMG/AMP Variant Interpretation Guidelines for F9 Version 1.0.0., Released 10/5/2023).

ARUP Laboratories, Molecular Genetics and Genomics, ARUP Laboratories
Classification: Likely pathogenic. Last evaluated: 2019-03-05. Review status: criteria provided, single submitter. Criteria: ARUP Molecular Germline Variant Investigation Process. Collection method: clinical testing. Allele origin: germline. Not counted in ClinVar's aggregate classification.
Comment: The F9 c.803G>T; p.Cys268Phe variant, also reported as Cys222Phe, has been described in at least one individual affected with hemophilia B (see link to F9 database and references therein). It is absent from general population databases (Exome Variant Server and Genome Aggregation Database), indicating it is not a common polymorphism. The cysteine at codon 268 is highly conserved, and computational algorithms (PolyPhen-2, SIFT) predict that this variant is deleterious. Additionally, several other variants at this codon (p.Cys268Arg/Gly/Ser/Trp) have been described in individuals affected with hemophilia B and are considered pathogenic (see link to F9 database and references therein, Belvini 2005, Giannelli 1994, Ketterling 1999). Based on available information, the p.Cys268Phe variant is considered likely pathogenic. REFERENCES Link to F9 database: Belvini D et al. Molecular genotyping of the Italian cohort of patients with hemophilia B. Haematologica. 2005 May;90(5):635-42. Giannelli F et al. Haemophilia B: database of point mutations and short additions and deletions, fifth edition, 1994. Nucleic Acids Res. 1994 Sep;22(17):3534-46. Ketterling R et al. Germline origins in the human F9 gene: frequent G:C-->A:T mosaicism and increased mutations with advanced maternal age. Hum Genet. 1999 Dec;105(6):629-40.

NM_000133.4(F9):c.803G>T (p.Cys268Phe)

Gene: F9 (coagulation factor IX; plus strand). Cytogenetic location: Xq27.1.
Variant type: single nucleotide variant.
Coding change: c.803G>T on transcript NM_000133.4 (MANE Select); coding-DNA position 803, G replaced by T.
Protein change: p.Cys268Phe; replaces cysteine 268 with phenylalanine.
Molecular consequence: missense variant.
Genome position (GRCh38, 1-based): chrX:139,560,820, G>T. VCF-style: chrX-139560820-G-T. GRCh37 (hg19) VCF-style: chrX-138642979-G-T.
Other names: NM_000133.4(F9):c.803G>T; p.Cys268Phe; c.689G>T, p.Cys230Phe (NM_001313913.2); short protein forms C230F, C268F.
Identifiers: ClinVar variation 810877 (VCV000810877.9), dbSNP rs1603267195, ClinGen allele CA414443543.